The following is an entry in ClinVar:

NM_004928.3(CFAP410):c.706_707inv (p.Gln236Trp)

Gene: CFAP410 (cilia and flagella associated protein 410; minus strand). Cytogenetic location: 21q22.3.
Variant type: Inversion.
Coding change: c.706_707inv on transcript NM_004928.3 (MANE Select).
Protein change: p.Gln236Trp; replaces glutamine 236 with tryptophan.
Molecular consequence: missense variant.
Genome position: GRCh38 VCF-style: chr21-44330262-TG-CA. GRCh37 (hg19) VCF-style: chr21-45750145-TG-CA.
Other names: c.703_704inv, p.Gln235Trp (NM_001271440.2); c.1063_1064inv, p.Gln355Trp (NM_001271441.2); c.580_581inv, p.Gln194Trp (NM_001271442.1); short protein forms Q235W, Q355W, Q194W, Q236W.
Identifiers: ClinVar variation 1388470 (VCV001388470.3), ClinGen allele CA2573157553.
Genomic context (GRCh38, chr21:44,330,262, plus strand): 5'-TCGGCGTGCTCCTGCACCTCTTCCCCACGCAGGGCCTGCAGCCGGCTGCCCACAGTCTGC[TG>CA]CACGGCCTCCAGCCCCTCTGCATCCAGCTCCCGCAGCAGCAGCAGGATGGCAGTCAGGAC-3'
Protein context (NP_004919.1, residues 226-246): ELDAEGLEAV[Gln236Trp]QTVGSRLQAL

ClinVar aggregate classification (germline): Uncertain significance (1 of 4 stars; one submission).

Submission:

Labcorp Genetics (formerly Invitae), Labcorp
Classification: Uncertain significance. Last evaluated: 2021-07-28. Review status: criteria provided, single submitter. Criteria: Invitae Variant Classification Sherloc (09022015). Collection method: clinical testing. Allele origin: germline.
Comment: This variant, c.706_707delinsTG, is a complex sequence change that results in the deletion of 1 and insertion of 1 amino acid(s) in the CFAP410 protein (p.Gln236Trp). The frequency data for this variant in the population databases is not available, as this variant may be reported as separate entries in the ExAC database. This variant has not been reported in the literature in individuals affected with CFAP410-related conditions. Algorithms developed to predict the effect of missense changes on protein structure and function are either unavailable or do not agree on the potential impact of this missense change (SIFT: "Not Available"; PolyPhen-2: "Possibly Damaging"; Align-GVGD: "Not Available"). In summary, the available evidence is currently insufficient to determine the role of this variant in disease. Therefore, it has been classified as a Variant of Uncertain Significance.